The following is an entry in ClinVar:

NM_153676.4(USH1C):c.1085+5G>C

Gene: USH1C (USH1 protein network component harmonin; minus strand). Cytogenetic location: 11p15.1.
Variant type: single nucleotide variant.
Coding change: c.1085+5G>C on transcript NM_153676.4 (MANE Select); 5 bases into the intron after coding-DNA position 1085, G replaced by C.
Molecular consequence: intron variant.
Genome position (GRCh38, 1-based): chr11:17,521,341, C>G on the plus strand (G>C on the coding strand, the complement: USH1C is on the minus strand). VCF-style: chr11-17521341-C-G. GRCh37 (hg19) VCF-style: chr11-17542888-C-G.
Other names: c.1028+5G>C (NM_001297764.2); c.1085+5G>C (NM_005709.4).
Identifiers: ClinVar variation 959682 (VCV000959682.7), dbSNP rs1850405247, ClinGen allele CA1139661854.
Genomic context (GRCh38, chr11:17,521,341, plus strand): 5'-TTGGCCACACTCCCCTGAGCACACTGATGTTCATGCACAGACACGCGTGGAGCCGAGGTA[C>G]TCACTGTTCCATCTCCTTCCGGTATCTCTCATTTTCCTCTGCTGCCTTCTGGGCAATTTC-3'

ClinVar aggregate classification (germline): Uncertain significance (1 of 4 stars; one submission).

Allele frequency attached by ClinVar (database versions not stated): TOPMed 0.00001.

Submission:

Labcorp Genetics (formerly Invitae), Labcorp
Classification: Uncertain significance. Last evaluated: 2022-08-09. Review status: criteria provided, single submitter. Criteria: Invitae Variant Classification Sherloc (09022015). Collection method: clinical testing. Allele origin: germline.
Comment: In summary, the available evidence is currently insufficient to determine the role of this variant in disease. Therefore, it has been classified as a Variant of Uncertain Significance. Variants that disrupt the consensus splice site are a relatively common cause of aberrant splicing (PMID: 17576681, 9536098). Algorithms developed to predict the effect of sequence changes on RNA splicing suggest that this variant may disrupt the consensus splice site. ClinVar contains an entry for this variant (Variation ID: 959682). This variant has not been reported in the literature in individuals affected with USH1C-related conditions. This variant is not present in population databases (gnomAD no frequency). This sequence change falls in intron 13 of the USH1C gene. It does not directly change the encoded amino acid sequence of the USH1C protein. It affects a nucleotide within the consensus splice site.

Literature cited by the submitters: PubMed 17576681; PubMed 9536098.